The following is an entry in ClinVar:

NM_016284.5(CNOT1):c.1943T>C (p.Leu648Ser)

Gene: CNOT1 (CCR4-NOT transcription complex subunit 1; minus strand). Cytogenetic location: 16q21.
Variant type: single nucleotide variant.
Coding change: c.1943T>C on transcript NM_016284.5 (MANE Select); coding-DNA position 1943, T replaced by C.
Protein change: p.Leu648Ser; replaces leucine 648 with serine.
Molecular consequence: missense variant. On other transcripts: non-coding transcript variant (1).
Genome position (GRCh38, 1-based): chr16:58,574,645, A>G on the plus strand (T>C on the coding strand, the complement: CNOT1 is on the minus strand). VCF-style: chr16-58574645-A-G. GRCh37 (hg19) VCF-style: chr16-58608549-A-G.
Other names: c.1943T>C, p.Leu648Ser (NM_001265612.2, NM_206999.3); short protein forms L648S.
Identifiers: ClinVar variation 1801879 (VCV001801879.1), dbSNP rs201113615, ClinGen allele CA8089809.

ClinVar aggregate classification (germline): Uncertain significance (1 of 4 stars; one submission).

Allele frequency attached by ClinVar (database versions not stated): ExAC 0.00001; 1000 Genomes Project 30x 0.00016; 1000 Genomes Project 0.00020.
gnomAD v4.1: 1 of 1,601,544 alleles (0.000062%); highest among the groups gnomAD compares: East Asian, 0.0022%; no homozygotes.

Submission:

GeneDx
Classification: Uncertain significance. Last evaluated: 2022-06-01. Review status: criteria provided, single submitter. Criteria: GeneDx Variant Classification Process June 2021. Collection method: clinical testing. Allele origin: germline. Affected: yes.
Comment: In silico analysis supports that this missense variant has a deleterious effect on protein structure/function; Has not been previously published as pathogenic or benign to our knowledge